The following is an entry in ClinVar:

NM_020975.6(RET):c.1766G>A (p.Ser589Asn)

Gene: RET (ret proto-oncogene; plus strand). Cytogenetic location: 10q11.21.
Variant type: single nucleotide variant.
Coding change: c.1766G>A on transcript NM_020975.6 (MANE Select); coding-DNA position 1766, G replaced by A.
Protein change: p.Ser589Asn; replaces serine 589 with asparagine.
Molecular consequence: missense variant. On other transcripts: intron variant (2).
Genome position (GRCh38, 1-based): chr10:43,113,562, G>A. VCF-style: chr10-43113562-G-A. GRCh37 (hg19) VCF-style: chr10-43609010-G-A.
Other names: c.1766G>A, p.Ser589Asn (NM_000323.2, NM_001406743.1, NM_001406744.1 and 6 more transcripts); c.1004G>A, p.Ser335Asn (NM_001355216.2); c.1637G>A, p.Ser546Asn (NM_001406761.1, NM_001406762.1, NM_001406764.1 and 1 more transcripts); c.1478G>A, p.Ser493Asn (NM_001406766.1, NM_001406767.1, NM_001406770.1); c.1370G>A, p.Ser457Asn (NM_001406769.1, NM_001406772.1); c.1328G>A, p.Ser443Asn (NM_001406771.1, NM_001406773.1); c.1241G>A, p.Ser414Asn (NM_001406774.1); c.1040G>A, p.Ser347Asn (NM_001406775.1, NM_001406776.1, NM_001406777.1 and 1 more transcripts); and 7 more; short protein forms S106N, S259N, S414N, S443N, S290N, S335N, S493N, S347N.
Identifiers: ClinVar variation 2568337 (VCV002568337.3), dbSNP rs2132826414, ClinGen allele CA376552419.
Genomic context (GRCh38, chr10:43,113,562, plus strand): 5'-CGCCTGGGGTGGTCAGGCGCCCCAGGAGGCTGAGTGGGCTACGTCTGCCCTCAGGGGGCA[G>A]CATTGTTGGGGGACACGAGCCTGGGGAGCCCCGGGGGATTAAAGCTGGCTATGGCACCTG-3'
Protein context (NP_066124.1, residues 579-599): NICPQDCLRG[Ser589Asn]IVGGHEPGEP

ClinVar aggregate classification (germline): Uncertain significance. Review status: criteria provided, multiple submitters, no conflicts (2 of 4 stars). 2 submissions from 2 submitters: Uncertain significance (2). Last evaluated 2024-05-30.

Conditions:
Hereditary cancer-predisposing syndrome. Also called: Hereditary neoplastic syndrome; Hereditary Cancer Syndrome; Neoplastic Syndromes, Hereditary; Tumor predisposition. Identifiers: Orphanet 140162, MedGen C0027672, MeSH D009386, MONDO:0015356.
Multiple endocrine neoplasia, type 2 (MEN2). Identifiers: Orphanet 653, MedGen C4048306, MONDO:0019003. Disease mechanism: gain of function.

Allele frequency attached by ClinVar (database versions not stated): gnomAD exomes below 0.00001.

Submissions (2):

All of Us Research Program, National Institutes of Health
Classification: Uncertain significance for Multiple endocrine neoplasia, type 2. Last evaluated: 2024-05-30. Review status: criteria provided, single submitter. Criteria: ACMG Guidelines, 2015. Collection method: clinical testing. Allele origin: germline. Inheritance: Autosomal dominant inheritance. Observed: 1 variant allele, 1 heterozygote.
Comment: This missense variant replaces serine with asparagine at codon 589 of the RET protein. Computational prediction suggests that this variant may not impact protein structure and function (internally defined REVEL score threshold <= 0.5, PMID: 27666373). To our knowledge, functional studies have not been reported for this variant. This variant has not been reported in individuals affected with RET-related disorders in the literature. This variant has not been identified in the general population by the Genome Aggregation Database (gnomAD). The available evidence is insufficient to determine the role of this variant in disease conclusively. Therefore, this variant is classified as a Variant of Uncertain Significance.

This study involves interpretation of variants in research participants for the purpose of population health screening. Participant phenotype was not available at the time of variant classification. Additional details can be found in publication PMID: 35346344, PMCID: PMC8962531

Ambry Genetics
Classification: Uncertain significance for Hereditary cancer-predisposing syndrome. Last evaluated: 2023-04-13. Review status: criteria provided, single submitter. Criteria: Ambry Variant Classification Scheme 2023. Collection method: clinical testing. Allele origin: germline.
Comment: The p.S589N variant (also known as c.1766G>A), located in coding exon 10 of the RET gene, results from a G to A substitution at nucleotide position 1766. The serine at codon 589 is replaced by asparagine, an amino acid with highly similar properties. This amino acid position is conserved. In addition, this alteration is predicted to be tolerated by in silico analysis. Since supporting evidence is limited at this time, the clinical significance of this alteration remains unclear.